The following is an entry in ClinVar:

ClinVar aggregate classification (germline): Uncertain significance. Review status: criteria provided, multiple submitters, no conflicts (2 of 4 stars). 2 submissions from 2 submitters: Uncertain significance (2). Last evaluated 2025-03-09.

Conditions:
F7-related disorder. Also called: F7-related condition.

gnomAD v4.1: 39 of 1,602,458 alleles (0.0024%); highest among the groups gnomAD compares: South Asian, 0.0033%; no homozygotes.

Submissions (2):

PreventionGenetics, part of Exact Sciences
Classification: Uncertain significance for F7-related condition. Last evaluated: 2025-03-09. Review status: criteria provided, single submitter. Criteria: ACMG Guidelines, 2015. Collection method: clinical testing. Allele origin: germline.
Comment: The F7 c.829G>A variant is predicted to result in the amino acid substitution p.Asp277Asn. This variant has been reported in individuals with factor VII deficiency (Herrmann et al. 2009. PubMed ID: 18976247; Table S1, Halimeh et al. 2023. PubMed ID: 38202056). This variant is reported in 0.0066% of alleles in individuals of South Asian descent in gnomAD. At this time, the clinical significance of this variant is uncertain due to the absence of conclusive functional and genetic evidence.

Women's Health and Genetics/Laboratory Corporation of America, LabCorp
Classification: Uncertain significance. Last evaluated: 2024-05-14. Review status: criteria provided, single submitter. Criteria: LabCorp Variant Classification Summary - May 2015. Collection method: clinical testing. Allele origin: germline.
Comment: Variant summary: F7 c.829G>A (p.Asp277Asn) results in a conservative amino acid change located in the Serine proteases, trypsin domain (IPR001254) of the encoded protein sequence. Three of three in-silico tools predict a benign effect of the variant on protein function. The variant allele was found at a frequency of 1.2e-05 in 243020 control chromosomes (gnomAD). The available data on variant occurrences in the general population are insufficient to allow any conclusion about variant significance. c.829G>A has been reported in the literature in at least one individual affected with Congenital factor VII deficiency (Herrmann_2008). The report does not provide unequivocal conclusions about association of the variant with Congenital factor VII deficiency. To our knowledge, no experimental evidence demonstrating an impact on protein function has been reported. The following publication have been ascertained in the context of this evaluation (PMID: 18976247). No submitters have cited clinical-significance assessments for this variant to ClinVar. Based on the evidence outlined above, the variant was classified as uncertain significance.

Literature cited by the submitters: PubMed 18976247 (cited by Women's Health and Genetics/Laboratory Corporation of America, LabCorp).

NM_019616.4(F7):c.763G>A (p.Asp255Asn)

Gene: F7 (coagulation factor VII; plus strand). Cytogenetic location: 13q34.
Variant type: single nucleotide variant.
Coding change: c.763G>A on transcript NM_019616.4 (MANE Select); coding-DNA position 763, G replaced by A.
Protein change: p.Asp255Asn; replaces aspartic acid 255 with asparagine.
Molecular consequence: missense variant. On other transcripts: non-coding transcript variant (1).
Genome position (GRCh38, 1-based): chr13:113,118,436, G>A. VCF-style: chr13-113118436-G-A. GRCh37 (hg19) VCF-style: chr13-113772750-G-A.
Other names: c.829G>A, p.Asp277Asn (NM_000131.5); c.577G>A, p.Asp193Asn (NM_001267554.2); short protein forms D193N, D255N, D277N.
Identifiers: ClinVar variation 3336597 (VCV003336597.2).